The following is an entry in ClinVar:

NM_001077525.3(MTMR14):c.1790G>A (p.Arg597Gln)

Gene: MTMR14 (myotubularin related protein 14; plus strand). Cytogenetic location: 3p25.3.
Variant type: single nucleotide variant.
Coding change: c.1790G>A on transcript NM_001077525.3 (MANE Select); coding-DNA position 1790, G replaced by A.
Protein change: p.Arg597Gln; replaces arginine 597 with glutamine.
Molecular consequence: missense variant.
Genome position (GRCh38, 1-based): chr3:9,701,810, G>A. VCF-style: chr3-9701810-G-A. GRCh37 (hg19) VCF-style: chr3-9743494-G-A.
Other names: c.1454G>A (NM_022485.4); c.1634G>A, p.Arg545Gln (NM_001077526.3); c.1454G>A, p.Arg485Gln (NM_022485.5); short protein forms R597Q, R545Q, R485Q.
Identifiers: ClinVar variation 619283 (VCV000619283.9), dbSNP rs757795544, ClinGen allele CA2240884.

ClinVar aggregate classification (germline): Uncertain significance. Review status: criteria provided, multiple submitters, no conflicts (2 of 4 stars). 4 submissions from 4 submitters: Uncertain significance (4). Last evaluated 2025-10-24.

Conditions:
Autosomal dominant centronuclear myopathy. Also called: MYOTUBULAR MYOPATHY, AUTOSOMAL DOMINANT; Myopathy, centronuclear, 3. Identifiers: Orphanet 169189, MedGen C4551952, MeSH D020914, MONDO:0008048, OMIM 160150.

Allele frequency attached by ClinVar (database versions not stated): gnomAD 0.00002; gnomAD exomes 0.00002; TOPMed 0.00002; ExAC 0.00004.
gnomAD v4.1: 76 of 1,613,720 alleles (0.0047%); highest among the groups gnomAD compares: Non-Finnish European, 0.0059%; no homozygotes.

Submissions (4):

Ambry Genetics
Classification: Uncertain significance. Last evaluated: 2025-10-24. Review status: criteria provided, single submitter. Criteria: Ambry Variant Classification Scheme 2023. Collection method: clinical testing. Allele origin: germline.

Labcorp Genetics (formerly Invitae), Labcorp
Classification: Uncertain significance. Last evaluated: 2024-08-29. Review status: criteria provided, single submitter. Criteria: Invitae Variant Classification Sherloc (09022015). Collection method: clinical testing. Allele origin: germline.
Comment: This sequence change replaces arginine, which is basic and polar, with glutamine, which is neutral and polar, at codon 485 of the MTMR14 protein (p.Arg485Gln). This variant is present in population databases (rs757795544, gnomAD 0.006%). This variant has not been reported in the literature in individuals affected with MTMR14-related conditions. ClinVar contains an entry for this variant (Variation ID: 619283). An algorithm developed to predict the effect of missense changes on protein structure and function (PolyPhen-2) suggests that this variant is likely to be disruptive. In summary, the available evidence is currently insufficient to determine the role of this variant in disease. Therefore, it has been classified as a Variant of Uncertain Significance.

Fulgent Genetics
Classification: Uncertain significance for Autosomal dominant centronuclear myopathy. Last evaluated: 2021-12-02. Review status: criteria provided, single submitter. Criteria: ACMG Guidelines, 2015. Collection method: clinical testing. Allele origin: unknown.

Johns Hopkins Genomics, Johns Hopkins University
Classification: Uncertain significance for Autosomal dominant centronuclear myopathy. Last evaluated: 2019-02-07. Review status: criteria provided, single submitter. Criteria: ACMG Guidelines, 2015. Collection method: clinical testing. Allele origin: germline.
Comment: MTMR14 c.1790G>A has not been reported in ClinVar nor the literature, to our knowledge. This variant (rs757795544) is rare in large population datasets (gnomAD: 6/246258 total alleles; 0.002436%; no homozygotes). Two bioinformatic tools queried predict that this substitution would be probably damaging, however the arginine residue at this position is evolutionarily conserved across all species assessed. Bioinformatic analysis predicts that this variant would not affect normal exon 19 splicing, although this has not been confirmed experimentally to our knowledge. The clinical significance of c.1790G>A is uncertain at this time.

Literature cited by the submitters: PubMed 17008356 (cited by Johns Hopkins Genomics, Johns Hopkins University).